The following is an entry in ClinVar:

NM_012210.4(TRIM32):c.212C>T (p.Thr71Ile)

Genes: ASTN2 (astrotactin 2; minus strand), TRIM32 (tripartite motif containing 32; plus strand). Cytogenetic location: 9q33.1.
Variant type: single nucleotide variant.
Coding change: c.212C>T on transcript NM_012210.4 (MANE Select); coding-DNA position 212, C replaced by T.
Protein change: p.Thr71Ile; replaces threonine 71 with isoleucine.
Molecular consequence: missense variant. On other transcripts: intron variant (3).
Genome position (GRCh38, 1-based): chr9:116,697,954, C>T. VCF-style: chr9-116697954-C-T. GRCh37 (hg19) VCF-style: chr9-119460233-C-T.
Other names: c.212C>T, p.Thr71Ile (NM_001099679.2, NM_001379048.1, NM_001379049.1 and 1 more transcripts); c.2653+27817G>A (NM_014010.5); c.2794+27817G>A (NM_001365069.1); c.2806+27817G>A (NM_001365068.1); short protein forms T71I.
Identifiers: ClinVar variation 1461873 (VCV001461873.5), dbSNP rs779530342, ClinGen allele CA5210922.

ClinVar aggregate classification (germline): Uncertain significance (1 of 4 stars; one submission).

Conditions:
Bardet-Biedl syndrome (BBS). Identifiers: Orphanet 110, MedGen C0752166, MONDO:0015229.

Allele frequency attached by ClinVar (database versions not stated): gnomAD exomes 0.00001 and 0.00002; ExAC 0.00002.
gnomAD v4.1: 10 of 1,614,206 alleles (0.00062%); highest among the groups gnomAD compares: Non-Finnish European, 0.00076%; no homozygotes.

Submission:

Labcorp Genetics (formerly Invitae), Labcorp
Classification: Uncertain significance for Bardet-Biedl syndrome. Last evaluated: 2024-02-24. Review status: criteria provided, single submitter. Criteria: Invitae Variant Classification Sherloc (09022015). Collection method: clinical testing. Allele origin: germline.
Comment: This sequence change replaces threonine, which is neutral and polar, with isoleucine, which is neutral and non-polar, at codon 71 of the TRIM32 protein (p.Thr71Ile). This variant is present in population databases (rs779530342, gnomAD 0.003%). This variant has not been reported in the literature in individuals affected with TRIM32-related conditions. ClinVar contains an entry for this variant (Variation ID: 1461873). An algorithm developed to predict the effect of missense changes on protein structure and function (PolyPhen-2) suggests that this variant is likely to be tolerated. In summary, the available evidence is currently insufficient to determine the role of this variant in disease. Therefore, it has been classified as a Variant of Uncertain Significance.